The following is an entry in ClinVar:

NM_001111125.3(IQSEC2):c.445G>A (p.Ala149Thr)

Gene: IQSEC2 (IQ motif and Sec7 domain ArfGEF 2; minus strand). Cytogenetic location: Xp11.22.
Variant type: single nucleotide variant.
Coding change: c.445G>A on transcript NM_001111125.3 (MANE Select); coding-DNA position 445, G replaced by A.
Protein change: p.Ala149Thr; replaces alanine 149 with threonine.
Molecular consequence: missense variant.
Genome position (GRCh38, 1-based): chrX:53,320,679, C>T on the plus strand (G>A on the coding strand, the complement: IQSEC2 is on the minus strand). VCF-style: chrX-53320679-C-T. GRCh37 (hg19) VCF-style: chrX-53349877-C-T.
Other names: short protein forms A149T.
Identifiers: ClinVar variation 452687 (VCV000452687.2), dbSNP rs1556880140, ClinGen allele CA413239329.

ClinVar aggregate classification (germline): Uncertain significance (1 of 4 stars; one submission).

Submission:

GeneDx
Classification: Uncertain significance. Last evaluated: 2017-10-12. Review status: criteria provided, single submitter. Criteria: GeneDx Variant Classification (06012015). Collection method: clinical testing. Allele origin: germline. Affected: yes.
Comment: The A149T variant has not been published as a pathogenic variant, nor has it been reported as a benign variant to our knowledge. The A149T variant is not observed in large population cohorts (Lek et al., 2016). The A149T variant is a non-conservative amino acid substitution, which is likely to impact secondary protein structure as these residues differ in polarity, charge, size and/or other properties. However, this substitution occurs at a position that is not conserved, and in silico analysis predicts this variant likely does not alter the protein structure/function. Therefore, based on the currently available information, it is unclear whether this variant is a pathogenic variant or a rare benign variant.